The following is an entry in ClinVar:

NM_001458.5(FLNC):c.2167G>A (p.Asp723Asn)

Gene: FLNC (filamin C; plus strand). Cytogenetic location: 7q32.1.
Variant type: single nucleotide variant.
Coding change: c.2167G>A on transcript NM_001458.5 (MANE Select); coding-DNA position 2167, G replaced by A.
Protein change: p.Asp723Asn; replaces aspartic acid 723 with asparagine.
Molecular consequence: missense variant.
Genome position (GRCh38, 1-based): chr7:128,842,276, G>A. VCF-style: chr7-128842276-G-A. GRCh37 (hg19) VCF-style: chr7-128482330-G-A.
Other names: c.2167G>A, p.Asp723Asn (NM_001127487.2); short protein forms D723N.
Identifiers: ClinVar variation 954881 (VCV000954881.41), dbSNP rs375414341, ClinGen allele CA4474627.

ClinVar aggregate classification (germline): Conflicting classifications of pathogenicity. Review status: criteria provided, conflicting classifications (1 of 4 stars). 5 submissions from 5 submitters: Uncertain significance (2); Likely benign (3). Last evaluated 2026-03-19.

Conditions:
FLNC-related disorder. Also called: FLNC-related condition; FLNC-related disorders.
Myofibrillar myopathy 5. Also called: Filaminopathy (type); FILAMINOPATHY, AUTOSOMAL DOMINANT. Identifiers: Orphanet 171445, MedGen C1836050, MONDO:0012289, OMIM 609524.
Distal myopathy with posterior leg and anterior hand involvement. Also called: WILLIAMS DISTAL MYOPATHY. Identifiers: Orphanet 63273, MedGen C3279722, MONDO:0013550, OMIM 614065.
Hypertrophic cardiomyopathy 26. Also called: Cardiomyopathy, familial hypertrophic, 26. Identifiers: Orphanet 75249, MedGen C4310749, MONDO:0014883, OMIM 617047.
Cardiovascular phenotype. Identifiers: MedGen CN230736.

Allele frequency attached by ClinVar (database versions not stated): ExAC 0.00003; ESP Exome Variant Server 0.00008.
gnomAD v4.1: 74 of 1,613,732 alleles (0.0046%); highest among the groups gnomAD compares: Non-Finnish European, 0.0054%; no homozygotes.

Submissions (5):

PreventionGenetics, part of Exact Sciences
Classification: Uncertain significance for FLNC-related condition. Last evaluated: 2026-03-19. Review status: criteria provided, single submitter. Criteria: ACMG Guidelines, 2015. Collection method: clinical testing. Allele origin: germline.
Comment: The FLNC c.2167G>A variant is predicted to result in the amino acid substitution p.Asp723Asn. To our knowledge, this variant has not been reported in the literature. This variant is reported in 0.0056% of alleles in individuals of East Asian descent in gnomAD v2. In gnomAD v4 (available only on GRCh38), this variant is reported in 0.011% of alleles in individuals within the ‘remaining’ subpopulation in gnomAD. This variant has conflicting interpretations regarding its pathogenicity in ClinVar, ranging from likely benign to uncertain (Variation ID: 954881). Although we suspect that this variant may be benign, at this time, the clinical significance of this variant is uncertain due to the absence of conclusive functional and genetic evidence.

Labcorp Genetics (formerly Invitae), Labcorp
Classification: Likely benign for Distal myopathy with posterior leg and anterior hand involvement; Myofibrillar myopathy 5; Hypertrophic cardiomyopathy 26. Last evaluated: 2025-12-09. Review status: criteria provided, single submitter. Criteria: Invitae Variant Classification Sherloc (09022015). Collection method: clinical testing. Allele origin: germline.

Ambry Genetics
Classification: Likely benign for Cardiovascular phenotype. Last evaluated: 2025-01-10. Review status: criteria provided, single submitter. Criteria: Ambry Variant Classification Scheme 2023. Collection method: clinical testing. Allele origin: germline.

CeGaT Center for Human Genetics Tuebingen
Classification: Likely benign. Last evaluated: 2023-04-01. Review status: criteria provided, single submitter. Criteria: CeGaT Center For Human Genetics Tuebingen Variant Classification Criteria Version 2. Collection method: clinical testing. Allele origin: germline. Affected: yes. Observed: 1 variant allele.
Comment: FLNC: BP4

Revvity Omics, Revvity
Classification: Uncertain significance. Last evaluated: 2020-03-13. Review status: criteria provided, single submitter. Criteria: ACMG Guidelines, 2015. Collection method: clinical testing. Allele origin: germline.